The following is an entry in ClinVar:

ClinVar aggregate classification (germline): Benign/Likely benign. Review status: criteria provided, multiple submitters, no conflicts (2 of 4 stars). 6 submissions from 6 submitters: Benign (4); Likely benign (2). Last evaluated 2026-02-03.

Conditions:
TH-deficient dopa-responsive dystonia. Also called: DYT-TH; Segawa syndrome, autosomal recessive; Tyrosine Hydroxylase-Deficient Dopa-Responsive Dystonia. Identifiers: Orphanet 101150, MedGen C2673535, MONDO:0011551, OMIM 605407.
Neonatal insulin-dependent diabetes mellitus. Identifiers: MedGen C3278636, HP:0000857.

Allele frequency attached by ClinVar (database versions not stated): gnomAD exomes 0.00339 and 0.00117; 1000 Genomes Project 30x 0.01421; TOPMed 0.01506; ESP Exome Variant Server 0.01615; gnomAD 0.01234; 1000 Genomes Project 0.01318; ExAC 0.00406.

Submissions (6):

Labcorp Genetics (formerly Invitae), Labcorp
Classification: Benign for TH-deficient dopa-responsive dystonia. Last evaluated: 2026-02-03. Review status: criteria provided, single submitter. Criteria: Invitae Variant Classification Sherloc (09022015). Collection method: clinical testing. Allele origin: germline.

Athena Diagnostics
Classification: Benign. Last evaluated: 2024-10-18. Review status: criteria provided, single submitter. Criteria: Athena Diagnostics Criteria. Collection method: clinical testing. Allele origin: unknown.

Fulgent Genetics
Classification: Likely benign for TH-deficient dopa-responsive dystonia. Last evaluated: 2021-07-28. Review status: criteria provided, single submitter. Criteria: ACMG Guidelines, 2015. Collection method: clinical testing. Allele origin: unknown.

GeneDx
Classification: Benign. Last evaluated: 2018-09-12. Review status: criteria provided, single submitter. Criteria: GeneDx Variant Classification Process June 2021. Collection method: clinical testing. Allele origin: germline. Affected: yes.

Breakthrough Genomics
Classification: Likely benign. Review status: criteria provided, single submitter. Criteria: ACMG Guidelines, 2015. Collection method: not provided. Allele origin: germline. Inheritance: Autosomal recessive inheritance. Affected: yes.

Clinical Genomics, Uppaluri K&H Personalized Medicine Clinic
Classification: Benign for Neonatal insulin-dependent diabetes mellitus. Review status: criteria provided, single submitter. Criteria: K & H Uppaluri Personalized Medicine Clinic Variant Classification & Assertion Criteria_Updated V.1. Collection method: research. Allele origin: unknown.
Comment: Mutations in INS gene can cause early onset diabetes mellitus which is insulin dependent. May have poor response to sulfonylureas, as this mutation can cause beta cell destruction. However no sufficient evidence is found to ascertain the role of this particular variant rs36097848, yet.

Literature cited by the submitters: PubMed 11921414 (cited by Clinical Genomics, Uppaluri K&H Personalized Medicine Clinic); PubMed 25542748 (cited by Clinical Genomics, Uppaluri K&H Personalized Medicine Clinic); PubMed 26101329 (cited by Clinical Genomics, Uppaluri K&H Personalized Medicine Clinic); PubMed 18171712 (cited by Clinical Genomics, Uppaluri K&H Personalized Medicine Clinic).

NM_000360.4(TH):c.1278G>A (p.Thr426=)

Genes: INS (insulin; minus strand), TH (tyrosine hydroxylase; minus strand). Cytogenetic location: 11p15.5.
Variant type: single nucleotide variant.
Coding change: c.1278G>A on transcript NM_000360.4 (MANE Select); coding-DNA position 1278, G replaced by A.
Protein change: p.Thr426=; no amino-acid change (threonine 426 retained).
Molecular consequence: synonymous variant.
Genome position (GRCh38, 1-based): chr11:2,165,288, C>T on the plus strand (G>A on the coding strand, the complement: TH is on the minus strand). VCF-style: chr11-2165288-C-T. GRCh37 (hg19) VCF-style: chr11-2186518-C-T.
Other names: c.1371G>A, p.Thr457= (NM_199292.3); c.1359G>A, p.Thr453= (NM_199293.3).
Identifiers: ClinVar variation 304069 (VCV000304069.21), dbSNP rs36097848, ClinGen allele CA5818312.